The following is an entry in ClinVar:

ClinVar aggregate classification (germline): Pathogenic. Review status: criteria provided, multiple submitters, no conflicts (2 of 4 stars). 3 submissions from 3 submitters: Pathogenic (3). Last evaluated 2025-12-01.

Conditions:
Hereditary cancer-predisposing syndrome. Also called: Hereditary neoplastic syndrome; Neoplastic Syndromes, Hereditary; Tumor predisposition; Hereditary Cancer Syndrome. Identifiers: Orphanet 140162, MedGen C0027672, MeSH D009386, MONDO:0015356.
Lynch syndrome 5 (LYNCH5). Also called: Hereditary non-polyposis colorectal cancer, type 5; Colorectal cancer, hereditary nonpolyposis, type 5. Identifiers: Orphanet 144, MedGen C1833477, MONDO:0013710, OMIM 614350. Disease mechanism: loss of function.

Submissions (3):

Ambry Genetics
Classification: Pathogenic for Hereditary cancer-predisposing syndrome. Last evaluated: 2025-12-01. Review status: criteria provided, single submitter. Criteria: Ambry Variant Classification Scheme 2023. Collection method: clinical testing. Allele origin: germline.
Comment: The p.E708* pathogenic mutation (also known as c.2122G>T), located in coding exon 4 of the MSH6 gene, results from a G to T substitution at nucleotide position 2122. This changes the amino acid from a glutamic acid to a stop codon within coding exon 4. This variant is considered to be rare based on population cohorts in the Genome Aggregation Database (gnomAD). This alteration is expected to result in loss of function by premature protein truncation or nonsense-mediated mRNA decay. As such, this alteration is interpreted as a disease-causing mutation.

Myriad Genetics, Inc.
Classification: Pathogenic for Lynch syndrome 5. Last evaluated: 2023-08-16. Review status: criteria provided, single submitter. Criteria: Myriad Autosomal Dominant, Autosomal Recessive and X-Linked Classification Criteria (2023). Collection method: clinical testing. Allele origin: unknown.
Comment: This variant is considered pathogenic. This variant creates a termination codon and is predicted to result in premature protein truncation.

GeneDx
Classification: Pathogenic. Last evaluated: 2017-05-22. Review status: criteria provided, single submitter. Criteria: GeneDx Variant Classification (06012015). Collection method: clinical testing. Allele origin: germline. Affected: yes.
Comment: This variant is denoted MSH6 c.2122G>T at the cDNA level and p.Glu708Ter (E708X) at the protein level. The substitution creates a nonsense variant, which changes a Glutamic Acid to a premature stop codon (GAA>TAA), and is predicted to cause loss of normal protein function through either protein truncation or nonsense-mediated mRNA decay. Although this variant has not, to our knowledge, been reported in the literature, it is considered pathogenic.

NM_000179.3(MSH6):c.2122G>T (p.Glu708Ter)

Gene: MSH6 (mutS homolog 6; plus strand). Cytogenetic location: 2p16.3.
Variant type: single nucleotide variant.
Coding change: c.2122G>T on transcript NM_000179.3 (MANE Select); coding-DNA position 2122, G replaced by T.
Protein change: p.Glu708Ter; replaces glutamic acid 708 with a stop codon.
Molecular consequence: nonsense.
Genome position (GRCh38, 1-based): chr2:47,800,105, G>T. VCF-style: chr2-47800105-G-T. GRCh37 (hg19) VCF-style: chr2-48027244-G-T.
Other names: c.1732G>T, p.Glu578Ter (NM_001281492.2); c.1216G>T, p.Glu406Ter (NM_001281493.2, NM_001281494.2); short protein forms E708*, E406*, E578*.
Identifiers: ClinVar variation 422730 (VCV000422730.8), dbSNP rs1064795960, ClinGen allele CA16617667.
Genomic context (GRCh38, chr2:47,800,105, plus strand): 5'-GTCTTCTACCTCAAAAAATGCCTTATTGATCAGGAGCTTTTATCAATGGCTAATTTTGAA[G>T]AATATATTCCCTTGGATTCTGACACAGTCAGCACTACAAGATCTGGTGCTATCTTCACCA-3'